The following is an entry in ClinVar:

NM_001145809.2(MYH14):c.4129G>A (p.Asp1377Asn)

Gene: MYH14 (myosin heavy chain 14; plus strand). Cytogenetic location: 19q13.33.
Variant type: single nucleotide variant.
Coding change: c.4129G>A on transcript NM_001145809.2 (MANE Select); coding-DNA position 4129, G replaced by A.
Protein change: p.Asp1377Asn; replaces aspartic acid 1377 with asparagine.
Molecular consequence: missense variant.
Genome position (GRCh38, 1-based): chr19:50,280,133, G>A. VCF-style: chr19-50280133-G-A. GRCh37 (hg19) VCF-style: chr19-50783390-G-A.
Other names: c.4030G>A, p.Asp1344Asn (NM_001077186.2); c.4006G>A, p.Asp1336Asn (NM_024729.4); short protein forms D1336N, D1344N, D1377N.
Identifiers: ClinVar variation 3627186 (VCV003627186.2).
Genomic context (GRCh38, chr19:50,280,133, plus strand): 5'-GCTGAGTCCAAAACCATCCGTCTTAGCAAGGAGCTGAGCAGCACAGAAGCCCAGCTGCAC[G>A]ATGCCCAGGTGACCCTGCCTGCCCTTCGGCTCCACCGTCACCCTCCCCTCCTTGTCCTCC-3'
Protein context (NP_001139281.1, residues 1367-1387): ELSSTEAQLH[Asp1377Asn]AQELLQEETR

ClinVar aggregate classification (germline): Uncertain significance (1 of 4 stars; one submission).

gnomAD v4.1: 17 of 1,602,022 alleles (0.0011%); highest among the groups gnomAD compares: Admixed American, 0.012%; no homozygotes.

Submission:

Labcorp Genetics (formerly Invitae), Labcorp
Classification: Uncertain significance. Last evaluated: 2025-09-22. Review status: criteria provided, single submitter. Criteria: Invitae Variant Classification Sherloc (09022015). Collection method: clinical testing. Allele origin: germline.
Comment: This sequence change replaces aspartic acid, which is acidic and polar, with asparagine, which is neutral and polar, at codon 1336 of the MYH14 protein (p.Asp1336Asn). This variant is present in population databases (rs778859442, gnomAD 0.01%). This variant has not been reported in the literature in individuals affected with MYH14-related conditions. ClinVar contains an entry for this variant (Variation ID: 3627186). Invitae Evidence Modeling of protein sequence and biophysical properties (such as structural, functional, and spatial information, amino acid conservation, physicochemical variation, residue mobility, and thermodynamic stability) indicates that this missense variant is expected to disrupt MYH14 protein function with a positive predictive value of 80%. In summary, the available evidence is currently insufficient to determine the role of this variant in disease. Therefore, it has been classified as a Variant of Uncertain Significance.